The following is an entry in ClinVar:

ClinVar aggregate classification (germline): Uncertain significance. Review status: criteria provided, multiple submitters, no conflicts (2 of 4 stars). 2 submissions from 2 submitters: Uncertain significance (2). Last evaluated 2026-04-19.

Conditions:
Neurofibromatosis, type 1 (NF1). Also called: Peripheral type neurofibromatosis; Neurofibromatosis, type I; VON RECKLINGHAUSEN DISEASE; NEUROFIBROMATOSIS, TYPE I, SOMATIC. Identifiers: Orphanet 636, MedGen C0027831, MONDO:0018975, OMIM 162200. Disease mechanism: loss of function.

Submissions (2):

GeneDx
Classification: Uncertain significance. Last evaluated: 2026-04-19. Review status: criteria provided, single submitter. Criteria: GeneDx Variant Classification Process June 2021. Collection method: clinical testing. Allele origin: germline.
Comment: Not observed at significant frequency in large population cohorts (gnomAD); In silico analysis supports that this missense variant has a deleterious effect on protein structure/function; Has not been previously published as pathogenic or benign to our knowledge; This variant is associated with the following publications: (PMID: 25486365, 2121369)

Labcorp Genetics (formerly Invitae), Labcorp
Classification: Uncertain significance for Neurofibromatosis, type 1. Last evaluated: 2024-12-08. Review status: criteria provided, single submitter. Criteria: Invitae Variant Classification Sherloc (09022015). Collection method: clinical testing. Allele origin: germline.
Comment: This sequence change replaces valine, which is neutral and non-polar, with phenylalanine, which is neutral and non-polar, at codon 1049 of the NF1 protein (p.Val1049Phe). This variant is not present in population databases (gnomAD no frequency). This variant has not been reported in the literature in individuals affected with NF1-related conditions. ClinVar contains an entry for this variant (Variation ID: 2750813). Invitae Evidence Modeling of protein sequence and biophysical properties (such as structural, functional, and spatial information, amino acid conservation, physicochemical variation, residue mobility, and thermodynamic stability) indicates that this missense variant is expected to disrupt NF1 protein function with a positive predictive value of 95%. In summary, the available evidence is currently insufficient to determine the role of this variant in disease. Therefore, it has been classified as a Variant of Uncertain Significance.

NM_001042492.3(NF1):c.3145G>T (p.Val1049Phe)

Gene: NF1 (neurofibromin 1; plus strand). Cytogenetic location: 17q11.2.
Variant type: single nucleotide variant.
Coding change: c.3145G>T on transcript NM_001042492.3 (MANE Select); coding-DNA position 3145, G replaced by T.
Protein change: p.Val1049Phe; replaces valine 1049 with phenylalanine.
Molecular consequence: missense variant.
Genome position (GRCh38, 1-based): chr17:31,230,873, G>T. VCF-style: chr17-31230873-G-T. GRCh37 (hg19) VCF-style: chr17-29557891-G-T.
Other names: c.3145G>T, p.Val1049Phe (NM_000267.4); short protein forms V1049F.
Identifiers: ClinVar variation 2750813 (VCV002750813.4), dbSNP rs1060500343, ClinGen allele CA398987998.
Genomic context (GRCh38, chr17:31,230,873, plus strand): 5'-CTGTTTCTCTTTTCTCCACCATTCTATAGGAATAAGATGGTAGAATACCTGACAGACTGG[G>T]TTATGGGAACATCAAACCAAGCAGCAGATGATGATGTAAAATGTCTTACAAGGTAAAAAA-3'
Protein context (NP_001035957.1, residues 1039-1059): NKMVEYLTDW[Val1049Phe]MGTSNQAADD